The following is an entry in ClinVar:

NM_017514.5(PLXNA3):c.2702C>T (p.Ser901Leu)

Gene: PLXNA3 (plexin A3; plus strand). Cytogenetic location: Xq28.
Variant type: single nucleotide variant.
Coding change: c.2702C>T on transcript NM_017514.5 (MANE Select); coding-DNA position 2702, C replaced by T.
Protein change: p.Ser901Leu; replaces serine 901 with leucine.
Molecular consequence: missense variant.
Genome position (GRCh38, 1-based): chrX:154,466,173, C>T. VCF-style: chrX-154466173-C-T. GRCh37 (hg19) VCF-style: chrX-153694516-C-T.
Other names: short protein forms S901L.
Identifiers: ClinVar variation 2219541 (VCV002219541.4), dbSNP rs150094168, ClinGen allele CA10564456.

ClinVar aggregate classification (germline): Uncertain significance. Review status: criteria provided, single submitter (1 of 4 stars). 2 submissions from 2 submitters: Uncertain significance (1). 1 of the submissions does not count toward it. Last evaluated 2022-10-12.

Conditions:
PLXNA3-related disorder. Also called: PLXNA3-related condition.

Allele frequency attached by ClinVar (database versions not stated): ExAC 0.00001; gnomAD exomes 0.00001; gnomAD 0.00003; TOPMed 0.00003; ESP Exome Variant Server 0.00009.
gnomAD v4.1: 18 of 1,209,032 alleles (0.0015%); highest among the groups gnomAD compares: East Asian, 0.003%; no homozygotes.

Submissions (2):

Ambry Genetics
Classification: Uncertain significance. Last evaluated: 2022-10-12. Review status: criteria provided, single submitter. Criteria: Ambry Variant Classification Scheme 2023. Collection method: clinical testing. Allele origin: germline.

PreventionGenetics, part of Exact Sciences
Classification: Uncertain significance for PLXNA3-related condition. Last evaluated: 2023-10-30. Review status: no assertion criteria provided. Collection method: clinical testing. Allele origin: germline. Not counted in ClinVar's aggregate classification.
Comment: The PLXNA3 c.2702C>T variant is predicted to result in the amino acid substitution p.Ser901Leu. To our knowledge, this variant has not been reported in the literature. This variant is reported in 0.0053% of alleles in individuals of African descent in gnomAD. At this time, the clinical significance of this variant is uncertain due to the absence of conclusive functional and genetic evidence.